The following is an entry in ClinVar:

NM_015100.4(POGZ):c.2001del (p.Gln668fs)

Gene: POGZ (pogo transposable element derived with ZNF domain; minus strand). Cytogenetic location: 1q21.3.
Variant type: Deletion.
Coding change: c.2001del on transcript NM_015100.4 (MANE Select); coding-DNA position 2001, one base deleted (T; older notation c.2001delT).
Protein change: p.Gln668fs; shifts the reading frame from glutamine 668.
Molecular consequence: frameshift variant.
Genome position (GRCh38, 1-based): chr1:151,408,754, A deleted on the plus strand (T on the coding strand, the reverse complement: POGZ is on the minus strand); the first of 2 consecutive A bases (chr1:151,408,754-151,408,755); deleting either gives the same sequence. VCF-style (leftmost placement, unchanged base first): chr1-151408753-GA-G. GRCh37 (hg19) VCF-style: chr1-151381229-GA-G.
Other names: c.1974del, p.Gln659fs (NM_001194937.2); c.1815del, p.Gln606fs (NM_001194938.2); c.2022del, p.Gln675fs (NM_001410860.1); c.1716del, p.Gln573fs (NM_145796.4); c.1842del, p.Gln615fs (NM_207171.2); short protein forms Q573fs, Q606fs, Q615fs, Q659fs, Q668fs, Q675fs.
Identifiers: ClinVar variation 4082499 (VCV004082499.2).

ClinVar aggregate classification (germline): Pathogenic (1 of 4 stars; one submission).

Submission:

Genetic Services Laboratory, University of Chicago
Classification: Pathogenic. Last evaluated: 2023-02-20. Review status: criteria provided, single submitter. Criteria: ACMG Guidelines, 2015. Collection method: clinical testing. Allele origin: germline. Affected: yes.
Comment: DNA sequence analysis of the POGZ gene demonstrated a single base pair deletion in exon 13, c.2001del. This sequence change results in an amino acid frameshift and creates a premature stop codon 14 amino acids downstream of the change, p.Gln668Asnfs*15. This sequence change is predicted to result in an abnormal transcript, which may be degraded, or may lead to the production of a truncated POGZ protein with potentially abnormal function. The c.2001del sequence change has not been described in population databases such as ExAC and gnomAD. While this sequence change has not previously been described in the literature, other loss of function sequence changes in the POGZ gene have been described in several individuals with POGZ-related disorders (PMID: 26942287, 26739615, 34206215). These collective evidence indicate that this sequence change is pathogenic, however functional studies have not been performed to prove this conclusively.